The following is an entry in ClinVar:

NM_000352.6(ABCC8):c.4115AGA[1] (p.Lys1373del)

Gene: ABCC8 (ATP binding cassette subfamily C member 8; minus strand). Cytogenetic location: 11p15.1.
Variant type: Deletion.
Coding change: c.4115AGA[1] on transcript NM_000352.6 (MANE Select); one copy of the 3-base unit AGA starting at c.4115.
Protein change: p.Lys1373del; deletes lysine 1373.
Molecular consequence: inframe deletion. On other transcripts: non-coding transcript variant (1).
Genome position: GRCh38 VCF-style: chr11-17396915-CCTT-C. GRCh37 (hg19) VCF-style: chr11-17418462-CCTT-C.
Other names: c.4117_4119delAAG (NM_000352.3, NM_000352.6); c.4118AGA[1], p.Lys1374del (NM_001287174.3); c.4181AGA[1], p.Lys1395del (NM_001351295.2); c.4115AGA[1], p.Lys1373del (NM_001351296.2); c.4112AGA[1], p.Lys1372del (NM_001351297.2); short protein forms K1372del, K1395del.
Identifiers: ClinVar variation 553439 (VCV000553439.5), dbSNP rs1554905655, ClinGen allele CA658822169.

ClinVar aggregate classification (germline): Uncertain significance. Review status: criteria provided, multiple submitters, no conflicts (2 of 4 stars). 4 submissions from 3 submitters: Uncertain significance (3). 1 of the submissions does not count toward it. Last evaluated 2025-02-21.

Conditions:
Transitory neonatal diabetes mellitus. Also called: Transient neonatal diabetes mellitus. Identifiers: MedGen C0342273, MONDO:0020525, HP:0008255.
Maturity-onset diabetes of the young (MODY). Also called: Maturity onset diabetes mellitus in young. Identifiers: Orphanet 552, MedGen C0342276, MONDO:0018911, HP:0004904.
Hyperinsulinemic hypoglycemia, familial, 1 (HHF1). Also called: Persistent hyperinsulinemic hypoglycemia of infancy; HYPERINSULINISM, FAMILIAL, WITH PANCREATIC NESIDIOBLASTOSIS; HYPOGLYCEMIA, HYPERINSULINEMIC, OF INFANCY; NESIDIOBLASTOSIS OF PANCREAS; Persistent Hyperinsulinemia Hypoglycemia of Infancy. Identifiers: Orphanet 276575, Orphanet 276598, MedGen C2931832, MONDO:0009734, OMIM 256450.

Submissions (4):

Women's Health and Genetics/Laboratory Corporation of America, LabCorp
Classification: Uncertain significance. Last evaluated: 2025-02-21. Review status: criteria provided, single submitter. Criteria: LabCorp Variant Classification Summary - May 2015. Collection method: clinical testing. Allele origin: germline.
Comment: Variant summary: ABCC8 c.4117_4119delAAG (p.Lys1373del) results in an in-frame deletion that is predicted to remove one amino acid from the encoded protein. The variant was absent in 251224 control chromosomes (gnomAD). c.4117_4119delAAG has been reported in the literature in a heterozygous individual affected with Dominant CH. These data do not allow any conclusion about variant significance. This publication also reports experimental evidence evaluating an impact on protein function, finding that the variant results in a substantial reduction in channel function. The following publication has been ascertained in the context of this evaluation (PMID: 26431509). ClinVar contains an entry for this variant (Variation ID: 553439). Based on the evidence outlined above, the variant was classified as VUS-possibly pathogenic.

Clinical Genomics, Uppaluri K&H Personalized Medicine Clinic
Classification: Uncertain significance for Maturity-onset diabetes of the young. Review status: criteria provided, single submitter. Criteria: K & H Uppaluri Personalized Medicine Clinic Variant Classification & Assertion Criteria_Updated V.1. Collection method: research. Allele origin: somatic. Inheritance: Somatic mutation.
Comment: Mutations in ABCC8 gene are associated with both neonatal diabetes mellitus as well as MODY. Patients with this mutation may have a better response to sulfonylureas. However, no sufficient evidence is found to ascertain the role of this particular variant (rs1554905655) in MODY yet.

Clinical Genomics, Uppaluri K&H Personalized Medicine Clinic
Classification: Uncertain significance for Transitory neonatal diabetes mellitus. Review status: criteria provided, single submitter. Criteria: K & H Uppaluri Personalized Medicine Clinic Variant Classification & Assertion Criteria_Updated V.1. Collection method: research. Allele origin: unknown.
Comment: Mutations in ABCC8 gene are associated with both neonatal diabetes mellitus as well as MODY. Patients with this mutation may have a better response to sulfonylureas. However, no sufficient evidence is found to ascertain the role of this particular variant (rs1554905655) in neonatal diabetes yet.

Counsyl
Classification: Uncertain significance for Hyperinsulinemic hypoglycemia, familial, 1. Last evaluated: 2017-08-18. Review status: no assertion criteria provided. Collection method: clinical testing. Allele origin: unknown. Not counted in ClinVar's aggregate classification.

Literature cited by the submitters: PubMed 26431509 (cited by Women's Health and Genetics/Laboratory Corporation of America, LabCorp and Counsyl); PubMed 16885549 (cited by Clinical Genomics, Uppaluri K&H Personalized Medicine Clinic); PubMed 21989597 (cited by Clinical Genomics, Uppaluri K&H Personalized Medicine Clinic); PubMed 27538677 (cited by Clinical Genomics, Uppaluri K&H Personalized Medicine Clinic); PubMed 18981553 (cited by Clinical Genomics, Uppaluri K&H Personalized Medicine Clinic); PubMed 32027066 (cited by Clinical Genomics, Uppaluri K&H Personalized Medicine Clinic); PubMed 16613899 (cited by Clinical Genomics, Uppaluri K&H Personalized Medicine Clinic); PubMed 18025408 (cited by Clinical Genomics, Uppaluri K&H Personalized Medicine Clinic); PubMed 32792356 (cited by Clinical Genomics, Uppaluri K&H Personalized Medicine Clinic).